The following is an entry in ClinVar:

ClinVar aggregate classification (germline): Uncertain significance (1 of 4 stars; one submission).

gnomAD v4.1: 1 of 1,614,144 alleles (0.000062%); highest among the groups gnomAD compares: Non-Finnish European, 0.000085%; no homozygotes.

Submission:

Labcorp Genetics (formerly Invitae), Labcorp
Classification: Uncertain significance. Last evaluated: 2025-03-06. Review status: criteria provided, single submitter. Criteria: Invitae Variant Classification Sherloc (09022015). Collection method: clinical testing. Allele origin: germline.
Comment: This sequence change replaces serine, which is neutral and polar, with leucine, which is neutral and non-polar, at codon 592 of the RFWD3 protein (p.Ser592Leu). This variant is present in population databases (no rsID available, gnomAD 0.0009%). This variant has not been reported in the literature in individuals affected with RFWD3-related conditions. An algorithm developed to predict the effect of missense changes on protein structure and function (PolyPhen-2) suggests that this variant is likely to be disruptive. In summary, the available evidence is currently insufficient to determine the role of this variant in disease. Therefore, it has been classified as a Variant of Uncertain Significance.

NM_018124.4(RFWD3):c.1775C>T (p.Ser592Leu)

Gene: RFWD3 (ring finger and WD repeat domain 3; minus strand). Cytogenetic location: 16q23.1.
Variant type: single nucleotide variant.
Coding change: c.1775C>T on transcript NM_018124.4 (MANE Select); coding-DNA position 1775, C replaced by T.
Protein change: p.Ser592Leu; replaces serine 592 with leucine.
Molecular consequence: missense variant.
Genome position (GRCh38, 1-based): chr16:74,628,646, G>A on the plus strand (C>T on the coding strand, the complement: RFWD3 is on the minus strand). VCF-style: chr16-74628646-G-A. GRCh37 (hg19) VCF-style: chr16-74662544-G-A.
Other names: c.1775C>T, p.Ser592Leu (NM_001370534.1, NM_001370535.1); c.1598C>T, p.Ser533Leu (NM_001370536.1); c.941C>T, p.Ser314Leu (NM_001370537.1, NM_001370539.1, NM_001370540.1 and 2 more transcripts); short protein forms S592L, S314L, S533L.
Identifiers: ClinVar variation 4712443 (VCV004712443.1).